The following is an entry in ClinVar:

ClinVar aggregate classification (germline): Pathogenic (1 of 4 stars; one submission).

Conditions:
Leber congenital amaurosis 9 (LCA9). Also called: LCA 9; Amaurosis congenita of Leber, type 9; LCA9 Leber Congenital Amaurosis. Identifiers: Orphanet 65, MedGen C1837873, MONDO:0012056, OMIM 608553.

Submission:

Labcorp Genetics (formerly Invitae), Labcorp
Classification: Pathogenic for Leber congenital amaurosis 9. Last evaluated: 2022-06-27. Review status: criteria provided, single submitter. Criteria: Invitae Variant Classification Sherloc (09022015). Collection method: clinical testing. Allele origin: germline.
Comment: For these reasons, this variant has been classified as Pathogenic. This variant disrupts a region of the NMNAT1 protein in which other variant(s) (p.Arg66Trp) have been determined to be pathogenic (PMID: 22842227, 24791140, 26018082, 28453600). This suggests that this is a clinically significant region of the protein, and that variants that disrupt it are likely to be disease-causing. This variant has not been reported in the literature in individuals affected with NMNAT1-related conditions. This variant is a gross deletion of the genomic region encompassing exon(s) 3-4 of the NMNAT1 gene. This variant would be expected to be in-frame, preserving the integrity of the reading frame.

Literature cited by the submitters: PubMed 22842227; PubMed 24791140; PubMed 26018082; PubMed 28453600.

NC_000001.10:g.(?_10035630)_(10041248_?)del

Gene: NMNAT1 (nicotinamide nucleotide adenylyltransferase 1; plus strand). Cytogenetic location: 1p36.22.
Variant type: Deletion.
Identifiers: ClinVar variation 1426207 (VCV001426207.5).